The following is an entry in ClinVar:

NM_000441.2(SLC26A4):c.871C>T (p.Arg291Trp)

Gene: SLC26A4 (solute carrier family 26 member 4; plus strand). Cytogenetic location: 7q22.3.
Variant type: single nucleotide variant.
Coding change: c.871C>T on transcript NM_000441.2 (MANE Select); coding-DNA position 871, C replaced by T.
Protein change: p.Arg291Trp; replaces arginine 291 with tryptophan.
Molecular consequence: missense variant.
Genome position (GRCh38, 1-based): chr7:107,683,307, C>T. VCF-style: chr7-107683307-C-T. GRCh37 (hg19) VCF-style: chr7-107323752-C-T.
Other names: short protein forms R291W.
Identifiers: ClinVar variation 505030 (VCV000505030.7), dbSNP rs775610413, ClinGen allele CA4432598.

ClinVar aggregate classification (germline): Uncertain significance. Review status: criteria provided, multiple submitters, no conflicts (2 of 4 stars). 3 submissions from 3 submitters: Uncertain significance (2). 1 of the submissions does not count toward it. Last evaluated 2025-11-06.

Conditions:
Pendred syndrome (PDS). Also called: Pendred Syndrome (PDS); GOITER-DEAFNESS SYNDROME; THYROID DYSHORMONOGENESIS 2B; THYROID HORMONOGENESIS, GENETIC DEFECT IN, 2B; Pendred's syndrome; HYPOTHYROIDISM, CONGENITAL, DUE TO DYSHORMONOGENESIS, 2B. Identifiers: Orphanet 705, MedGen C0271829, MONDO:0010134, OMIM 274600.

Allele frequency attached by ClinVar (database versions not stated): gnomAD exomes 0.00001 and 0.00002; ExAC 0.00002; gnomAD 0.00003.

Submissions (3):

Women's Health and Genetics/Laboratory Corporation of America, LabCorp
Classification: Uncertain significance. Last evaluated: 2025-11-06. Review status: criteria provided, single submitter. Criteria: LabCorp Variant Classification Summary - May 2015. Collection method: clinical testing. Allele origin: germline.
Comment: Variant summary: SLC26A4 c.871C>T (p.Arg291Trp) results in a non-conservative amino acid change in the encoded protein sequence. Algorithms developed to predict the effect of missense changes on protein structure and function all suggest that this variant is likely to be disruptive. The variant allele was found at a frequency of 8e-06 in 251214 control chromosomes (gnomAD). The available data on variant occurrences in the general population are insufficient to allow any conclusion about variant significance. To our knowledge, no occurrence of c.871C>T in individuals affected with SLC26A4-related conditions and no experimental evidence demonstrating its impact on protein function have been reported. ClinVar contains an entry for this variant (Variation ID: 505030). Based on the evidence outlined above, the variant was classified as uncertain significance.

Laboratory for Molecular Medicine, Mass General Brigham Personalized Medicine
Classification: Uncertain significance. Last evaluated: 2016-05-13. Review status: criteria provided, single submitter. Criteria: LMM Criteria. Collection method: clinical testing. Allele origin: germline. Observed: 1 variant allele.
Comment: The p.Arg291Trp variant in SLC26A4 has not been previously reported in individua ls with hearing loss or Pendred syndrome, but has been identified in 2/8648 East Asian chromosomes by the Exome Aggregation Consortium (ExAC; dbSNP rs775610413). Although this variant has been seen in the gen eral population, its frequency is not high enough to rule out a pathogenic role. Computational prediction tools and conservation analyses suggest that this vari ant may impact the protein, though this information is not predictive enough to determine pathogenicity. In summary, the clinical significance of the p.Arg291Tr p variant is uncertain.

Natera, Inc.
Classification: Uncertain significance for Pendred syndrome. Last evaluated: 2020-09-16. Review status: no assertion criteria provided. Collection method: clinical testing. Allele origin: germline. Not counted in ClinVar's aggregate classification.